The following is an entry in ClinVar:

NM_177438.3(DICER1):c.4514C>T (p.Ser1505Phe)

Gene: DICER1 (dicer 1, ribonuclease III; minus strand). Cytogenetic location: 14q32.13.
Variant type: single nucleotide variant.
Coding change: c.4514C>T on transcript NM_177438.3 (MANE Select); coding-DNA position 4514, C replaced by T.
Protein change: p.Ser1505Phe; replaces serine 1505 with phenylalanine.
Molecular consequence: missense variant.
Genome position (GRCh38, 1-based): chr14:95,096,406, G>A on the plus strand (C>T on the coding strand, the complement: DICER1 is on the minus strand). VCF-style: chr14-95096406-G-A. GRCh37 (hg19) VCF-style: chr14-95562743-G-A.
Other names: c.4514C>T, p.Ser1505Phe (NM_001195573.1, NM_001271282.3, NM_001291628.2 and 1 more transcripts); short protein forms S1505F.
Identifiers: ClinVar variation 1437799 (VCV001437799.12), dbSNP rs1890339895, ClinGen allele CA390868007.
Genomic context (GRCh38, chr14:95,096,406, plus strand): 5'-ACCACAAAGTCATCTTCTTCAACAGCTTTGCTAGGATCCAGATAGCACATTGCATCCCAA[G>A]AGCTGTAGTCAAAATCCTCAAAATCTGATGAAAATGGCATACTACCTAAGGAGGATTTTT-3'
Protein context (NP_803187.1, residues 1495-1515): SSDFEDFDYS[Ser1505Phe]WDAMCYLDPS

ClinVar aggregate classification (germline): Uncertain significance. Review status: criteria provided, multiple submitters, no conflicts (2 of 4 stars). 2 submissions from 2 submitters: Uncertain significance (2). Last evaluated 2025-11-10.

Conditions:
Hereditary cancer-predisposing syndrome. Also called: Neoplastic Syndromes, Hereditary; Hereditary Cancer Syndrome; Tumor predisposition; Hereditary neoplastic syndrome. Identifiers: Orphanet 140162, MedGen C0027672, MeSH D009386, MONDO:0015356.
DICER1-related tumor predisposition. Also called: DICER1-related pleuropulmonary blastoma cancer predisposition syndrome; DICER1 syndrome. Identifiers: Orphanet 284343, MedGen C3839822, MONDO:0100216.

Allele frequency attached by ClinVar (database versions not stated): gnomAD 0.00001.
gnomAD v4.1: 2 of 1,614,052 alleles (0.00012%); highest among the groups gnomAD compares: Admixed American, 0.0017%; no homozygotes.

Submissions (2):

Ambry Genetics
Classification: Uncertain significance for Hereditary cancer-predisposing syndrome. Last evaluated: 2025-11-10. Review status: criteria provided, single submitter. Criteria: Ambry Variant Classification Scheme 2023. Collection method: clinical testing. Allele origin: germline.
Comment: The p.S1505F variant (also known as c.4514C>T), located in coding exon 22 of the DICER1 gene, results from a C to T substitution at nucleotide position 4514. The serine at codon 1505 is replaced by phenylalanine, an amino acid with highly dissimilar properties. This amino acid position is highly conserved in available vertebrate species. In addition, this alteration is predicted to be deleterious by in silico analysis. Based on the available evidence, the clinical significance of this variant remains unclear.

Labcorp Genetics (formerly Invitae), Labcorp
Classification: Uncertain significance for DICER1-related tumor predisposition. Last evaluated: 2021-08-22. Review status: criteria provided, single submitter. Criteria: Invitae Variant Classification Sherloc (09022015). Collection method: clinical testing. Allele origin: germline.
Comment: In summary, the available evidence is currently insufficient to determine the role of this variant in disease. Therefore, it has been classified as a Variant of Uncertain Significance. Algorithms developed to predict the effect of missense changes on protein structure and function are either unavailable or do not agree on the potential impact of this missense change (SIFT: "Deleterious"; PolyPhen-2: "Probably Damaging"; Align-GVGD: "Class C0"). This variant has not been reported in the literature in individuals with DICER1-related conditions. This variant is not present in population databases (ExAC no frequency). This sequence change replaces serine with phenylalanine at codon 1505 of the DICER1 protein (p.Ser1505Phe). The serine residue is highly conserved and there is a large physicochemical difference between serine and phenylalanine.